The following is an entry in ClinVar:

ClinVar aggregate classification (germline): Uncertain significance (1 of 4 stars; one submission).

Conditions:
Hereditary cancer-predisposing syndrome. Also called: Hereditary Cancer Syndrome; Hereditary neoplastic syndrome; Neoplastic Syndromes, Hereditary; Tumor predisposition. Identifiers: Orphanet 140162, MedGen C0027672, MeSH D009386, MONDO:0015356.

Submission:

Ambry Genetics
Classification: Uncertain significance for Hereditary cancer-predisposing syndrome. Last evaluated: 2022-03-07. Review status: criteria provided, single submitter. Criteria: Ambry Variant Classification Scheme 2023. Collection method: clinical testing. Allele origin: germline.
Comment: The p.A32P variant (also known as c.94G>C), located in coding exon 1 of the TMEM127 gene, results from a G to C substitution at nucleotide position 94. The alanine at codon 32 is replaced by proline, an amino acid with highly similar properties. This amino acid position is conserved. In addition, the in silico prediction for this alteration is inconclusive. Since supporting evidence is limited at this time, the clinical significance of this alteration remains unclear.

NM_017849.4(TMEM127):c.94G>C (p.Ala32Pro)

Genes: TMEM127 (transmembrane protein 127; minus strand), LOC129934333 (ATAC-STARR-seq lymphoblastoid silent region 11759; plus strand). Cytogenetic location: 2q11.2.
Variant type: single nucleotide variant.
Coding change: c.94G>C on transcript NM_017849.4 (MANE Select); coding-DNA position 94, G replaced by C.
Protein change: p.Ala32Pro; replaces alanine 32 with proline.
Molecular consequence: missense variant.
Genome position (GRCh38, 1-based): chr2:96,265,288, C>G on the plus strand (G>C on the coding strand, the complement: TMEM127 is on the minus strand). VCF-style: chr2-96265288-C-G. GRCh37 (hg19) VCF-style: chr2-96931026-C-G.
Other names: c.94G>C, p.Ala32Pro (NM_001193304.3); short protein forms A32P.
Identifiers: ClinVar variation 1767177 (VCV001767177.2), dbSNP rs770347064, ClinGen allele CA347656125.
Genomic context (GRCh38, chr2:96,265,288, plus strand): 5'-CGGGCTCGGCGAGGGCAGTGCACAGCGCCGTGATAGACAGGGCGCCAGGCAGGGCCGAGG[C>G]CAGGCTACGCTCCGGCTGCTTGGGCAGAGCGCTGCCTCCCGGGCTCCTCCGCCGGCGCCC-3'
Protein context (NP_060319.1, residues 22-42): ALPKQPERSL[Ala32Pro]SALPGALSIT